The following is an entry in ClinVar:

NM_000218.3(KCNQ1):c.667G>A (p.Ala223Thr)

Gene: KCNQ1 (potassium voltage-gated channel subfamily Q member 1; plus strand). Cytogenetic location: 11p15.5.
Variant type: single nucleotide variant.
Coding change: c.667G>A on transcript NM_000218.3 (MANE Select); coding-DNA position 667, G replaced by A.
Protein change: p.Ala223Thr; replaces alanine 223 with threonine.
Molecular consequence: missense variant.
Genome position (GRCh38, 1-based): chr11:2,571,387, G>A. VCF-style: chr11-2571387-G-A. GRCh37 (hg19) VCF-style: chr11-2592617-G-A.
Other names: c.667G>A, p.Ala223Thr (NM_001406836.1); c.397G>A, p.Ala133Thr (NM_001406837.1); c.286G>A, p.Ala96Thr (NM_181798.2); short protein forms A96T, A133T, A223T.
Identifiers: ClinVar variation 2108367 (VCV002108367.4), dbSNP rs2493669950, ClinGen allele CA379130668.

ClinVar aggregate classification (germline): Uncertain significance (1 of 4 stars; one submission).

Conditions:
Long QT syndrome (LQTS). Identifiers: MedGen C0023976, MeSH D008133, MONDO:0002442. Disease mechanism: loss of function. Inheritance: Various modes of inheritance.

Submission:

Labcorp Genetics (formerly Invitae), Labcorp
Classification: Uncertain significance for Long QT syndrome. Last evaluated: 2022-03-10. Review status: criteria provided, single submitter. Criteria: Invitae Variant Classification Sherloc (09022015). Collection method: clinical testing. Allele origin: germline.
Comment: This sequence change replaces alanine, which is neutral and non-polar, with threonine, which is neutral and polar, at codon 223 of the KCNQ1 protein (p.Ala223Thr). This variant is not present in population databases (gnomAD no frequency). This variant has not been reported in the literature in individuals affected with KCNQ1-related conditions. Algorithms developed to predict the effect of missense changes on protein structure and function (SIFT, PolyPhen-2, Align-GVGD) all suggest that this variant is likely to be disruptive. In summary, the available evidence is currently insufficient to determine the role of this variant in disease. Therefore, it has been classified as a Variant of Uncertain Significance.